The following is an entry in ClinVar:

NM_001297.5(CNGB1):c.358A>C (p.Ser120Arg)

Gene: CNGB1 (cyclic nucleotide gated channel subunit beta 1; minus strand). Cytogenetic location: 16q21.
Variant type: single nucleotide variant.
Coding change: c.358A>C on transcript NM_001297.5 (MANE Select); coding-DNA position 358, A replaced by C.
Protein change: p.Ser120Arg; replaces serine 120 with arginine.
Molecular consequence: missense variant.
Genome position (GRCh38, 1-based): chr16:57,962,997, T>G on the plus strand (A>C on the coding strand, the complement: CNGB1 is on the minus strand). VCF-style: chr16-57962997-T-G. GRCh37 (hg19) VCF-style: chr16-57996901-T-G.
Other names: c.358A>C, p.Ser120Arg (NM_001135639.2, NM_001286130.2); short protein forms S120R.
Identifiers: ClinVar variation 888556 (VCV000888556.11), dbSNP rs375397174, ClinGen allele CA8083885.

ClinVar aggregate classification (germline): Uncertain significance. Review status: criteria provided, multiple submitters, no conflicts (2 of 4 stars). 4 submissions from 4 submitters: Uncertain significance (4). Last evaluated 2025-11-11.

Conditions:
Inborn genetic diseases. Identifiers: MedGen C0950123, MeSH D030342.
Retinitis pigmentosa (RP). Identifiers: Orphanet 791, MedGen C0035334, MeSH D012174, MONDO:0019200, OMIM 268000. Inheritance: Autosomal dominant, autosomal recessive and X linked inheritance.

Allele frequency attached by ClinVar (database versions not stated): ExAC 0.00001; gnomAD 0.00001; TOPMed 0.00002; ESP Exome Variant Server 0.00008.
gnomAD v4.1: 14 of 1,613,426 alleles (0.00087%); highest among the groups gnomAD compares: Non-Finnish European, 0.0012%; no homozygotes.

Submissions (4):

Ambry Genetics
Classification: Uncertain significance for Inborn genetic diseases. Last evaluated: 2025-11-11. Review status: criteria provided, single submitter. Criteria: Ambry Variant Classification Scheme 2023. Collection method: clinical testing. Allele origin: germline.

Labcorp Genetics (formerly Invitae), Labcorp
Classification: Uncertain significance. Last evaluated: 2021-08-27. Review status: criteria provided, single submitter. Criteria: Invitae Variant Classification Sherloc (09022015). Collection method: clinical testing. Allele origin: germline.
Comment: This sequence change replaces serine with arginine at codon 120 of the CNGB1 protein (p.Ser120Arg). The serine residue is weakly conserved and there is a moderate physicochemical difference between serine and arginine. This variant is present in population databases (rs375397174, ExAC 0.001%). This variant has not been reported in the literature in individuals affected with CNGB1-related conditions. ClinVar contains an entry for this variant (Variation ID: 888556). Advanced modeling of protein sequence and biophysical properties (such as structural, functional, and spatial information, amino acid conservation, physicochemical variation, residue mobility, and thermodynamic stability) performed at Invitae indicates that this missense variant is not expected to disrupt CNGB1 protein function. In summary, the available evidence is currently insufficient to determine the role of this variant in disease. Therefore, it has been classified as a Variant of Uncertain Significance.

Blueprint Genetics
Classification: Uncertain significance. Last evaluated: 2019-04-05. Review status: criteria provided, single submitter. Criteria: ACMG Guidelines, 2015. Collection method: clinical testing. Allele origin: germline.

Illumina Laboratory Services, Illumina
Classification: Uncertain significance for Retinitis pigmentosa. Last evaluated: 2018-01-13. Review status: criteria provided, single submitter. Criteria: ICSL Variant Classification Criteria 13 December 2019. Collection method: clinical testing. Allele origin: germline.